The following is an entry in ClinVar:

NM_005732.4(RAD50):c.3611G>C (p.Gly1204Ala)

Genes: TH2-LCR (Th2 cytokine locus control region; plus strand), TH2LCRR (T helper type 2 locus control region associated RNA; minus strand), RAD50 (RAD50 double strand break repair protein; plus strand). Cytogenetic location: 5q31.1.
Variant type: single nucleotide variant.
Coding change: c.3611G>C on transcript NM_005732.4 (MANE Select); coding-DNA position 3611, G replaced by C.
Protein change: p.Gly1204Ala; replaces glycine 1204 with alanine.
Molecular consequence: missense variant. On other transcripts: non-coding transcript variant (3).
Genome position (GRCh38, 1-based): chr5:132,638,216, G>C. VCF-style: chr5-132638216-G-C. GRCh37 (hg19) VCF-style: chr5-131973908-G-C.
Other names: short protein forms G1204A.
Identifiers: ClinVar variation 947941 (VCV000947941.10), dbSNP rs1458966437, ClinGen allele CA360932438.

ClinVar aggregate classification (germline): Uncertain significance (1 of 4 stars; one submission).

Conditions:
Hereditary cancer-predisposing syndrome. Also called: Hereditary neoplastic syndrome; Neoplastic Syndromes, Hereditary; Tumor predisposition; Hereditary Cancer Syndrome. Identifiers: Orphanet 140162, MedGen C0027672, MeSH D009386, MONDO:0015356.

Submission:

Labcorp Genetics (formerly Invitae), Labcorp
Classification: Uncertain significance for Hereditary cancer-predisposing syndrome. Last evaluated: 2019-06-13. Review status: criteria provided, single submitter. Criteria: Invitae Variant Classification Sherloc (09022015). Collection method: clinical testing. Allele origin: germline.
Comment: In summary, the available evidence is currently insufficient to determine the role of this variant in disease. Therefore, it has been classified as a Variant of Uncertain Significance. Algorithms developed to predict the effect of missense changes on protein structure and function are either unavailable or do not agree on the potential impact of this missense change (SIFT: "Deleterious"; PolyPhen-2: "Probably Damaging"; Align-GVGD: "Class C0"). This variant has not been reported in the literature in individuals with RAD50-related conditions. This variant is not present in population databases (ExAC no frequency). This sequence change replaces glycine with alanine at codon 1204 of the RAD50 protein (p.Gly1204Ala). The glycine residue is highly conserved and there is a small physicochemical difference between glycine and alanine.